The following is an entry in ClinVar:

ClinVar aggregate classification (germline): Uncertain significance (1 of 4 stars; one submission).

Submission:

Labcorp Genetics (formerly Invitae), Labcorp
Classification: Uncertain significance. Last evaluated: 2025-03-01. Review status: criteria provided, single submitter. Criteria: Invitae Variant Classification Sherloc (09022015). Collection method: clinical testing. Allele origin: germline.
Comment: This sequence change replaces methionine, which is neutral and non-polar, with arginine, which is basic and polar, at codon 22 of the PACS2 protein (p.Met22Arg). This variant is not present in population databases (gnomAD no frequency). This variant has not been reported in the literature in individuals affected with PACS2-related conditions. An algorithm developed to predict the effect of missense changes on protein structure and function (PolyPhen-2) suggests that this variant is likely to be tolerated. In summary, the available evidence is currently insufficient to determine the role of this variant in disease. Therefore, it has been classified as a Variant of Uncertain Significance.

NM_001100913.3(PACS2):c.65T>G (p.Met22Arg)

Genes: BRF1 (BRF1 general transcription factor IIIB subunit; minus strand), PACS2 (phosphofurin acidic cluster sorting protein 2; plus strand), LOC130056677 (ATAC-STARR-seq lymphoblastoid silent region 6228; plus strand). Cytogenetic location: 14q32.33.
Variant type: single nucleotide variant.
Coding change: c.65T>G on transcript NM_001100913.3 (MANE Select); coding-DNA position 65, T replaced by G.
Protein change: p.Met22Arg; replaces methionine 22 with arginine.
Molecular consequence: missense variant. On other transcripts: intron variant (4).
Genome position (GRCh38, 1-based): chr14:105,314,983, T>G. VCF-style: chr14-105314983-T-G. GRCh37 (hg19) VCF-style: chr14-105781320-T-G.
Other names: c.65T>G, p.Met22Arg (NM_015197.4); c.-162+339A>C (NM_001440451.1, NM_001242787.2, NM_001242786.2); c.-83+14004T>G (NM_001243127.3); short protein forms M22R.
Identifiers: ClinVar variation 4711776 (VCV004711776.1).